The following is an entry in ClinVar:

ClinVar aggregate classification (germline): Benign. Review status: criteria provided, multiple submitters, no conflicts (2 of 4 stars). 6 submissions from 6 submitters: Benign (6). Last evaluated 2026-01-25.

Conditions:
Alzheimer disease. Also called: Presenile and senile dementia; Alzheimer's disease. Identifiers: Orphanet 1020, MedGen C0002395, MeSH D000544, MONDO:0004975, HP:0002511.

Allele frequency attached by ClinVar (database versions not stated): ExAC 0.00384; gnomAD 0.01171 and 0.01268; 1000 Genomes Project 0.01278; 1000 Genomes Project 30x 0.01327; TOPMed 0.01355; ESP Exome Variant Server 0.01376.
gnomAD v4.1: 3,609 of 1,612,114 alleles (0.22%); highest among the groups gnomAD compares: African/African-American, 4.1%; 75 homozygotes.

Submissions (6):

Labcorp Genetics (formerly Invitae), Labcorp
Classification: Benign for Alzheimer disease. Last evaluated: 2026-01-25. Review status: criteria provided, single submitter. Criteria: Invitae Variant Classification Sherloc (09022015). Collection method: clinical testing. Allele origin: germline.

Mayo Clinic Laboratories, Mayo Clinic
Classification: Benign. Last evaluated: 2025-02-28. Review status: criteria provided, single submitter. Criteria: ACMG Guidelines, 2015. Collection method: clinical testing. Allele origin: germline. Observed: 4 variant alleles.
Comment: BS1, BS2, BP4, BP7

ARUP Laboratories, Molecular Genetics and Genomics, ARUP Laboratories
Classification: Benign. Last evaluated: 2025-02-12. Review status: criteria provided, single submitter. Criteria: ARUP Molecular Germline Variant Investigation Process 2024. Collection method: clinical testing. Allele origin: germline.

Athena Diagnostics
Classification: Benign. Last evaluated: 2018-07-10. Review status: criteria provided, single submitter. Criteria: Athena Diagnostics Criteria. Collection method: clinical testing. Allele origin: germline.

Illumina Laboratory Services, Illumina
Classification: Benign for Alzheimer disease type 1. Last evaluated: 2018-01-12. Review status: criteria provided, single submitter. Criteria: ICSL Variant Classification Criteria 13 December 2019. Collection method: clinical testing. Allele origin: germline.
Comment: This variant was observed in the ICSL laboratory as part of a predisposition screen in an ostensibly healthy population. It had not been previously curated by ICSL or reported in the Human Gene Mutation Database (HGMD: prior to June 1st, 2018), and was therefore a candidate for classification through an automated scoring system. Utilizing variant allele frequency, disease prevalence and penetrance estimates, and inheritance mode, an automated score was calculated to assess if this variant is too frequent to cause the disease. Based on the score and internal cut-off values, a variant classified as benign is not then subjected to further curation. The score for this variant resulted in a classification of benign for this disease.

Breakthrough Genomics
Classification: Benign. Review status: criteria provided, single submitter. Criteria: ACMG Guidelines, 2015. Collection method: not provided. Allele origin: germline. Inheritance: Autosomal dominant inheritance. Affected: yes.

NM_000484.4(APP):c.1299+9T>C

Gene: APP (amyloid beta precursor protein; minus strand). Cytogenetic location: 21q21.3.
Variant type: single nucleotide variant.
Coding change: c.1299+9T>C on transcript NM_000484.4 (MANE Select); 9 bases into the intron after coding-DNA position 1299, T replaced by C.
Molecular consequence: intron variant.
Genome position (GRCh38, 1-based): chr21:25,975,945, A>G on the plus strand (T>C on the coding strand, the complement: APP is on the minus strand). VCF-style: chr21-25975945-A-G. GRCh37 (hg19) VCF-style: chr21-27348258-A-G.
Other names: p.?; c.969+9T>C (NM_001136131.3); c.906+9T>C (NM_001136129.3); c.1131+9T>C (NM_001136130.3, NM_001385253.1); c.1074+9T>C (NM_001204303.2, NM_201414.3); c.1242+9T>C (NM_001204302.2, NM_201413.3); c.1299+9T>C (NM_001204301.2); c.1227+9T>C (NM_001136016.3).
Identifiers: ClinVar variation 339639 (VCV000339639.22), dbSNP rs114675472, ClinGen allele CA9987362.